The following is an entry in ClinVar:

NM_001286.5(CLCN6):c.2138+1G>T

Gene: CLCN6 (Cl-/H+ antiporter 6; plus strand). Cytogenetic location: 1p36.22.
Variant type: single nucleotide variant.
Coding change: c.2138+1G>T on transcript NM_001286.5 (MANE Select); the canonical splice donor site of the intron after coding-DNA position 2138, G replaced by T.
Molecular consequence: splice donor variant.
Genome position (GRCh38, 1-based): chr1:11,837,157, G>T. VCF-style: chr1-11837157-G-T. GRCh37 (hg19) VCF-style: chr1-11897214-G-T.
Other names: c.2072+1G>T (NM_001256959.2).
Identifiers: ClinVar variation 3690565 (VCV003690565.2).

ClinVar aggregate classification (germline): Uncertain significance (1 of 4 stars; one submission).

gnomAD v4.1: 1 of 1,611,998 alleles (0.000062%); no homozygotes.

Submission:

Labcorp Genetics (formerly Invitae), Labcorp
Classification: Uncertain significance. Last evaluated: 2025-08-18. Review status: criteria provided, single submitter. Criteria: Invitae Variant Classification Sherloc (09022015). Collection method: clinical testing. Allele origin: germline.
Comment: This sequence change affects a donor splice site in intron 19 of the CLCN6 gene. It is expected to disrupt RNA splicing. Variants that disrupt the donor or acceptor splice site typically lead to a loss of protein function (PMID: 16199547), however the current clinical and genetic evidence is not sufficient to establish whether loss-of-function variants in CLCN6 cause disease. This variant is not present in population databases (gnomAD no frequency). This variant has not been reported in the literature in individuals affected with CLCN6-related conditions. ClinVar contains an entry for this variant (Variation ID: 3690565). Algorithms developed to predict the effect of sequence changes on RNA splicing suggest that this variant may disrupt the consensus splice site. In summary, the available evidence is currently insufficient to determine the role of this variant in disease. Therefore, it has been classified as a Variant of Uncertain Significance.

Literature cited by the submitters: PubMed 16199547.